The following is an entry in ClinVar:

ClinVar aggregate classification (germline): Uncertain significance (1 of 4 stars; one submission).

Submission:

Labcorp Genetics (formerly Invitae), Labcorp
Classification: Uncertain significance. Last evaluated: 2023-07-14. Review status: criteria provided, single submitter. Criteria: Invitae Variant Classification Sherloc (09022015). Collection method: clinical testing. Allele origin: unknown.
Comment: This variant results in a copy number gain of the genomic region encompassing exon(s) 17-19 of the KIF2A gene. While the exact position of this variant cannot be determined from the data, sub-genic copy number gains are generally in tandem (PMID: 25640679). This variant is predicted to be out-of-frame, and may result in an absent or disrupted protein product. However, the current clinical and genetic evidence is not sufficient to establish whether loss-of-function variants in KIF2A cause disease. This variant has not been reported in the literature in individuals affected with KIF2A-related conditions. Experimental studies and prediction algorithms are not available or were not evaluated, and the functional significance of this variant is currently unknown. In summary, the available evidence is currently insufficient to determine the role of this variant in disease. Therefore, it has been classified as a Variant of Uncertain Significance.

Literature cited by the submitters: PubMed 25640679.

NC_000005.9:g.(?_61668245)_(61673609_?)dup

Gene: KIF2A (kinesin family member 2A; plus strand). Cytogenetic location: 5q12.1.
Variant type: Duplication.
Identifiers: ClinVar variation 3246462 (VCV003246462.1).